The following is an entry in ClinVar:

ClinVar aggregate classification (germline): Uncertain significance. Review status: criteria provided, multiple submitters, no conflicts (2 of 4 stars). 2 submissions from 2 submitters: Uncertain significance (2). Last evaluated 2025-12-01.

Conditions:
Hypertrophic cardiomyopathy. Also called: HYPERTROPHIC MYOCARDIOPATHY. Identifiers: Orphanet 217569, MedGen C0007194, MeSH D002312, MONDO:0005045, HP:0001639.

Allele frequency attached by ClinVar (database versions not stated): gnomAD exomes below 0.00001; ExAC 0.00002.
gnomAD v4.1: 6 of 1,613,850 alleles (0.00037%); highest among the groups gnomAD compares: South Asian, 0.0055%; no homozygotes.

Submissions (2):

Labcorp Genetics (formerly Invitae), Labcorp
Classification: Uncertain significance for Hypertrophic cardiomyopathy. Last evaluated: 2025-12-01. Review status: criteria provided, single submitter. Criteria: Invitae Variant Classification Sherloc (09022015). Collection method: clinical testing. Allele origin: germline.
Comment: This sequence change replaces tryptophan, which is neutral and slightly polar, with leucine, which is neutral and non-polar, at codon 1606 of the MYOM1 protein (p.Trp1606Leu). This variant is present in population databases (rs775832198, gnomAD 0.01%). This variant has not been reported in the literature in individuals affected with MYOM1-related conditions. ClinVar contains an entry for this variant (Variation ID: 1743323). Invitae Evidence Modeling of protein sequence and biophysical properties (such as structural, functional, and spatial information, amino acid conservation, physicochemical variation, residue mobility, and thermodynamic stability) has been performed for this missense variant. However, the output from this modeling did not meet the statistical confidence thresholds required to predict the impact of this variant on MYOM1 protein function. In summary, the available evidence is currently insufficient to determine the role of this variant in disease. Therefore, it has been classified as a Variant of Uncertain Significance.

Ambry Genetics
Classification: Uncertain significance. Last evaluated: 2022-05-02. Review status: criteria provided, single submitter. Criteria: Ambry Variant Classification Scheme 2023. Collection method: clinical testing. Allele origin: germline.
Comment: The p.W1606L variant (also known as c.4817G>T), located in coding exon 37 of the MYOM1 gene, results from a G to T substitution at nucleotide position 4817. The tryptophan at codon 1606 is replaced by leucine, an amino acid with similar properties. This amino acid position is conserved. In addition, this alteration is predicted to be deleterious by in silico analysis. Since supporting evidence is limited at this time, the clinical significance of this alteration remains unclear.

NM_003803.4(MYOM1):c.4817G>T (p.Trp1606Leu)

Gene: MYOM1 (myomesin 1; minus strand). Cytogenetic location: 18p11.31.
Variant type: single nucleotide variant.
Coding change: c.4817G>T on transcript NM_003803.4 (MANE Select); coding-DNA position 4817, G replaced by T.
Protein change: p.Trp1606Leu; replaces tryptophan 1606 with leucine.
Molecular consequence: missense variant.
Genome position (GRCh38, 1-based): chr18:3,067,503, C>A on the plus strand (G>T on the coding strand, the complement: MYOM1 is on the minus strand). VCF-style: chr18-3067503-C-A. GRCh37 (hg19) VCF-style: chr18-3067501-C-A.
Other names: c.4529G>T, p.Trp1510Leu (NM_019856.2); short protein forms W1510L, W1606L.
Identifiers: ClinVar variation 1743323 (VCV001743323.3), dbSNP rs775832198, ClinGen allele CA8873753.
Genomic context (GRCh38, chr18:3,067,503, plus strand): 5'-CCAGCCTCGAACTTGAGGTTGCAGTGGTCGTCTGAGGCCAGGGCCTTCTCGTTCTTCAAC[C>A]ACGACACCTCCGGAGGCGGGTCTCCCCACACGTTGCAAGTGAGATTAAGGGCCTGCAAGA-3'
Protein context (NP_003794.3, residues 1596-1616): VWGDPPPEVS[Trp1606Leu]LKNEKALASD